The following is an entry in ClinVar:

ClinVar aggregate classification (germline): Uncertain significance (1 of 4 stars; one submission).

Allele frequency attached by ClinVar (database versions not stated): gnomAD exomes below 0.00001 and 0.00001; TOPMed 0.00002.

Submission:

Labcorp Genetics (formerly Invitae), Labcorp
Classification: Uncertain significance. Last evaluated: 2021-04-08. Review status: criteria provided, single submitter. Criteria: Invitae Variant Classification Sherloc (09022015). Collection method: clinical testing. Allele origin: germline.
Comment: In summary, the available evidence is currently insufficient to determine the role of this variant in disease. Therefore, it has been classified as a Variant of Uncertain Significance. Algorithms developed to predict the effect of missense changes on protein structure and function output the following: SIFT: "Tolerated"; PolyPhen-2: "Benign"; Align-GVGD: "Class C0". The valine amino acid residue is found in multiple mammalian species, suggesting that this missense change does not adversely affect protein function. These predictions have not been confirmed by published functional studies and their clinical significance is uncertain. This variant has not been reported in the literature in individuals with CACNA1F-related conditions. This variant is not present in population databases (ExAC no frequency). This sequence change replaces methionine with valine at codon 1781 of the CACNA1F protein (p.Met1781Val). The methionine residue is weakly conserved and there is a small physicochemical difference between methionine and valine.

NM_001256789.3(CACNA1F):c.5308A>G (p.Met1770Val)

Gene: CACNA1F (calcium voltage-gated channel subunit alpha1 F; minus strand). Cytogenetic location: Xp11.23.
Variant type: single nucleotide variant.
Coding change: c.5308A>G on transcript NM_001256789.3 (MANE Select); coding-DNA position 5308, A replaced by G.
Protein change: p.Met1770Val; replaces methionine 1770 with valine.
Molecular consequence: missense variant.
Genome position (GRCh38, 1-based): chrX:49,206,779, T>C on the plus strand (A>G on the coding strand, the complement: CACNA1F is on the minus strand). VCF-style: chrX-49206779-T-C. GRCh37 (hg19) VCF-style: chrX-49063240-T-C.
Other names: c.5146A>G, p.Met1716Val (NM_001256790.3); c.5341A>G, p.Met1781Val (NM_005183.4); short protein forms M1716V, M1770V, M1781V.
Identifiers: ClinVar variation 1021673 (VCV001021673.9), dbSNP rs1319803071, ClinGen allele CA412958342.